The following is an entry in ClinVar:

ClinVar aggregate classification (germline): Uncertain significance. Review status: criteria provided, multiple submitters, no conflicts (2 of 4 stars). 2 submissions from 2 submitters: Uncertain significance (2). Last evaluated 2023-11-07.

Conditions:
RYR1-related disorder. Also called: RYR1-related condition; RYR1-related disorders. Identifiers: MedGen CN239331.
Malignant hyperthermia, susceptibility to, 1 (MHS1). Also called: Anesthesia related hyperthermia; Malignant hyperpyrexia; Fulminating hyperpyrexia; Pharmacogenic myopathy; RYR1-Related Malignant Hyperthermia Susceptibility; Malignant hyperthermia suceptibility 1. Identifiers: Orphanet 423, MedGen C2930980, MONDO:0007783, OMIM 145600.

Allele frequency attached by ClinVar (database versions not stated): TOPMed below 0.00001; gnomAD exomes 0.00001 and 0.00002; ExAC 0.00002.
gnomAD v4.1: 10 of 1,614,088 alleles (0.00062%); highest among the groups gnomAD compares: Non-Finnish European, 0.00076%; no homozygotes.

Submissions (2):

Labcorp Genetics (formerly Invitae), Labcorp
Classification: Uncertain significance for RYR1-related disorder. Last evaluated: 2023-11-07. Review status: criteria provided, single submitter. Criteria: Invitae Variant Classification Sherloc (09022015). Collection method: clinical testing. Allele origin: germline.
Comment: This sequence change replaces alanine, which is neutral and non-polar, with threonine, which is neutral and polar, at codon 4747 of the RYR1 protein (p.Ala4747Thr). This variant is present in population databases (rs758668017, gnomAD 0.003%). This variant has not been reported in the literature in individuals affected with RYR1-related conditions. ClinVar contains an entry for this variant (Variation ID: 1039754). Advanced modeling of protein sequence and biophysical properties (such as structural, functional, and spatial information, amino acid conservation, physicochemical variation, residue mobility, and thermodynamic stability) has been performed at Invitae for this missense variant, however the output from this modeling did not meet the statistical confidence thresholds required to predict the impact of this variant on RYR1 protein function. In summary, the available evidence is currently insufficient to determine the role of this variant in disease. Therefore, it has been classified as a Variant of Uncertain Significance.

All of Us Research Program, National Institutes of Health
Classification: Uncertain significance for Malignant hyperthermia, susceptibility to, 1. Last evaluated: 2023-08-15. Review status: criteria provided, single submitter. Criteria: ACMG Guidelines, 2015. Collection method: clinical testing. Allele origin: germline. Inheritance: Autosomal dominant inheritance. Observed: 2 variant alleles, 2 heterozygotes.
Comment: This missense variant replaces alanine with threonine at codon 4747 of the RYR1 protein. Computational prediction is inconclusive regarding the impact of this variant on protein structure and function (internally defined REVEL score threshold 0.5 < inconclusive < 0.7, PMID: 27666373). To our knowledge, functional studies have not been reported for this variant. This variant has not been reported in individuals affected with RYR1-related disorders in the literature. This variant has been identified in 3/251348 chromosomes in the general population by the Genome Aggregation Database (gnomAD). The available evidence is insufficient to determine the role of this variant in disease conclusively. Therefore, this variant is classified as a Variant of Uncertain Significance.

This study involves interpretation of variants in research participants for the purpose of population health screening. Participant phenotype was not available at the time of variant classification. Additional details can be found in publication PMID: 35346344, PMCID: PMC8962531

NM_000540.3(RYR1):c.14239G>A (p.Ala4747Thr)

Gene: RYR1 (ryanodine receptor 1; plus strand). Cytogenetic location: 19q13.2.
Variant type: single nucleotide variant.
Coding change: c.14239G>A on transcript NM_000540.3 (MANE Select); coding-DNA position 14239, G replaced by A.
Protein change: p.Ala4747Thr; replaces alanine 4747 with threonine.
Molecular consequence: missense variant.
Genome position (GRCh38, 1-based): chr19:38,577,984, G>A. VCF-style: chr19-38577984-G-A. GRCh37 (hg19) VCF-style: chr19-39068624-G-A.
Other names: c.14224G>A, p.Ala4742Thr (NM_001042723.2); short protein forms A4742T, A4747T.
Identifiers: ClinVar variation 1039754 (VCV001039754.10), dbSNP rs758668017, ClinGen allele CA081142.